The following is an entry in ClinVar:

ClinVar aggregate classification (germline): Pathogenic (1 of 4 stars; one submission).

Conditions:
Very long chain acyl-CoA dehydrogenase deficiency (ACADVLD). Also called: VLCAD Deficiency; Very Long-Chain Acyl-Coenzyme A Dehydrogenase Deficiency. Identifiers: Orphanet 26793, MedGen C3887523, MONDO:0008723, OMIM 201475.

Submission:

Labcorp Genetics (formerly Invitae), Labcorp
Classification: Pathogenic for Very long chain acyl-CoA dehydrogenase deficiency. Last evaluated: 2023-10-04. Review status: criteria provided, single submitter. Criteria: Invitae Variant Classification Sherloc (09022015). Collection method: clinical testing. Allele origin: germline.
Comment: This sequence change replaces glycine, which is neutral and non-polar, with alanine, which is neutral and non-polar, at codon 439 of the ACADVL protein (p.Gly439Ala). This variant is not present in population databases (gnomAD no frequency). This missense change has been observed in individual(s) with very long-chain acyl-CoA dehydrogenase deficiency (PMID: 31031081). ClinVar contains an entry for this variant (Variation ID: 1484294). Advanced modeling of protein sequence and biophysical properties (such as structural, functional, and spatial information, amino acid conservation, physicochemical variation, residue mobility, and thermodynamic stability) performed at Invitae indicates that this missense variant is expected to disrupt ACADVL protein function. Algorithms developed to predict the effect of sequence changes on RNA splicing suggest that this variant may disrupt the consensus splice site. This variant disrupts the p.Gly439 amino acid residue in ACADVL. Other variant(s) that disrupt this residue have been determined to be pathogenic (PMID: 17999356, 23480858; Invitae). This suggests that this residue is clinically significant, and that variants that disrupt this residue are likely to be disease-causing. For these reasons, this variant has been classified as Pathogenic.

Literature cited by the submitters: PubMed 31031081; PubMed 17999356; PubMed 23480858.

NM_000018.4(ACADVL):c.1316G>C (p.Gly439Ala)

Gene: ACADVL (acyl-CoA dehydrogenase very long chain; plus strand). Cytogenetic location: 17p13.1.
Variant type: single nucleotide variant.
Coding change: c.1316G>C on transcript NM_000018.4 (MANE Select); coding-DNA position 1316, G replaced by C.
Protein change: p.Gly439Ala; replaces glycine 439 with alanine.
Molecular consequence: missense variant.
Genome position (GRCh38, 1-based): chr17:7,223,859, G>C. VCF-style: chr17-7223859-G-C. GRCh37 (hg19) VCF-style: chr17-7127178-G-C.
Other names: c.1250G>C, p.Gly417Ala (NM_001033859.3); c.1385G>C, p.Gly462Ala (NM_001270447.2); c.1088G>C, p.Gly363Ala (NM_001270448.2); short protein forms G439A, G363A, G462A, G417A.
Identifiers: ClinVar variation 1484294 (VCV001484294.8), dbSNP rs533055438, ClinGen allele CA397724851.